The following is an entry in ClinVar:

ClinVar aggregate classification (germline): Pathogenic/Likely pathogenic. Review status: criteria provided, multiple submitters, no conflicts (2 of 4 stars). 4 submissions from 4 submitters: Pathogenic (2); Likely pathogenic (2). Last evaluated 2025-11-21.

Conditions:
CBS-related disorder. Also called: CBS-related condition.
HYPERHOMOCYSTEINEMIA, THROMBOTIC, CBS-RELATED. Identifiers: MedGen C3150344, OMIM 236200.
Homocystinuria. Identifiers: MedGen C0019880, MONDO:0004737, HP:0002156.
Classic homocystinuria. Also called: Homocystinuria due to Cystathionine Beta-Synthase Deficiency; HOMOCYSTINURIA WITH OR WITHOUT RESPONSE TO PYRIDOXINE; Homocystinuria due to CBS deficiency; Cystathionine beta-synthase deficiency; CBS deficiency. Identifiers: Orphanet 394, MedGen C0751202, MONDO:0009352, OMIM 236200.

Allele frequency attached by ClinVar (database versions not stated): TOPMed below 0.00001; gnomAD exomes 0.00001.

Submissions (4):

Labcorp Genetics (formerly Invitae), Labcorp
Classification: Pathogenic for HYPERHOMOCYSTEINEMIA, THROMBOTIC, CBS-RELATED. Last evaluated: 2025-11-21. Review status: criteria provided, single submitter. Criteria: Invitae Variant Classification Sherloc (09022015). Collection method: clinical testing. Allele origin: germline.
Comment: This sequence change replaces asparagine, which is neutral and polar, with lysine, which is basic and polar, at codon 228 of the CBS protein (p.Asn228Lys). This variant is present in population databases (no rsID available, gnomAD 0.002%). This missense change has been observed in individual(s) with autosomal recessive homocystinuria due to cystathionine beta-synthase (CBS) deficiency (PMID: 9889017, 12124992, 15146473). ClinVar contains an entry for this variant (Variation ID: 928858). Invitae Evidence Modeling of protein sequence and biophysical properties (such as structural, functional, and spatial information, amino acid conservation, physicochemical variation, residue mobility, and thermodynamic stability) indicates that this missense variant is expected to disrupt CBS protein function with a positive predictive value of 95%. Experimental studies have shown that this missense change affects CBS function (PMID: 12124992, 20506325). This variant disrupts the p.Asn228 amino acid residue in CBS. Other variant(s) that disrupt this residue have been determined to be pathogenic (PMID: 14635102, 17540596, 20066033, 22267502). This suggests that this residue is clinically significant, and that variants that disrupt this residue are likely to be disease-causing. For these reasons, this variant has been classified as Pathogenic.

Natera, Inc.
Classification: Likely pathogenic for Homocystinuria due to cystathionine beta-synthase deficiency. Last evaluated: 2025-01-22. Review status: criteria provided, single submitter. Criteria: Natera Variant Classification Schema (03/2026). Collection method: clinical testing. Allele origin: germline.
Comment: The c.684C>G variant in CBS is a missense variant predicted to cause substitution of asparagine to lysine at amino acid 228. This variant is rare in the general population with a frequency below the threshold expected for the associated phenotype(s). This variant has been observed in one or more individuals affected with the associated recessive disease, as either homozygous or compound heterozygous with a second variant (PMID: 9889017). A different variant at the same position has been determined to be Pathogenic or Likely Pathogenic. Computational prediction algorithms indicate this variant is likely to affect gene or protein function. Given the available evidence, this variant is classified as Likely Pathogenic.

Blueprint Genetics
Classification: Likely pathogenic for CBS-related disorders. Last evaluated: 2022-11-23. Review status: criteria provided, single submitter. Criteria: ACMG Guidelines, 2015. Collection method: clinical testing. Allele origin: germline. Affected: yes. Observed: 2 variant alleles.

Women's Health and Genetics/Laboratory Corporation of America, LabCorp
Classification: Pathogenic for Homocystinuria. Last evaluated: 2019-12-12. Review status: criteria provided, single submitter. Criteria: LabCorp Variant Classification Summary - May 2015. Collection method: clinical testing. Allele origin: germline.
Comment: Variant summary: CBS c.684C>G (p.Asn228Lys) results in a non-conservative amino acid change located in the Pyridoxal-phosphate dependent enzyme domain of the encoded protein sequence. Five of five in-silico tools predict a damaging effect of the variant on protein function. The variant allele was found at a frequency of 8e-06 in 251386 control chromosomes (gnomAD). c.684C>G or c.684C>A (both result in p.N228K) has been reported in the literature in individuals affected with Homocystinuria (Gallagher_1998, Gaustadnes_2002, Orendae_2004). These data indicate that the variant is likely to be associated with disease. Functional studies, Gaustadnes_2002, Kozick_2010, Orendae_2004, indicate the variant causes no enzyme activity. No clinical diagnostic laboratories have submitted clinical-significance assessments for this variant to ClinVar after 2014. Based on the evidence outlined above, the variant was classified as pathogenic.

Literature cited by the submitters: PubMed 9889017 (cited by 3 submitters); PubMed 12124992 (cited by Labcorp Genetics (formerly Invitae), Labcorp and Women's Health and Genetics/Laboratory Corporation of America, LabCorp); PubMed 15146473 (cited by Labcorp Genetics (formerly Invitae), Labcorp and Women's Health and Genetics/Laboratory Corporation of America, LabCorp); PubMed 20506325 (cited by Labcorp Genetics (formerly Invitae), Labcorp and Women's Health and Genetics/Laboratory Corporation of America, LabCorp); PubMed 14635102 (cited by Labcorp Genetics (formerly Invitae), Labcorp); PubMed 17540596 (cited by Labcorp Genetics (formerly Invitae), Labcorp); PubMed 20066033 (cited by Labcorp Genetics (formerly Invitae), Labcorp); PubMed 22267502 (cited by Labcorp Genetics (formerly Invitae), Labcorp).

NM_000071.3(CBS):c.684C>G (p.Asn228Lys)

Gene: CBS (cystathionine beta-synthase; minus strand). Cytogenetic location: 21q22.3.
Variant type: single nucleotide variant.
Coding change: c.684C>G on transcript NM_000071.3 (MANE Select); coding-DNA position 684, C replaced by G.
Protein change: p.Asn228Lys; replaces asparagine 228 with lysine.
Molecular consequence: missense variant.
Genome position (GRCh38, 1-based): chr21:43,065,255, G>C on the plus strand (C>G on the coding strand, the complement: CBS is on the minus strand). VCF-style: chr21-43065255-G-C. GRCh37 (hg19) VCF-style: chr21-44485365-G-C.
Other names: c.684C>G, p.Asn228Lys (NM_001178008.3, NM_001178009.3, NM_001320298.2); c.369C>G, p.Asn123Lys (NM_001321072.1); short protein forms N123K, N228K.
Identifiers: ClinVar variation 928858 (VCV000928858.5), dbSNP rs1464223176, ClinGen allele CA410600615.